The following is an entry in ClinVar:

NM_007294.4(BRCA1):c.812T>G (p.Val271Gly)

Gene: BRCA1 (BRCA1 DNA repair associated; minus strand). Cytogenetic location: 17q21.31.
Variant type: single nucleotide variant.
Coding change: c.812T>G on transcript NM_007294.4 (MANE Select); coding-DNA position 812, T replaced by G.
Protein change: p.Val271Gly; replaces valine 271 with glycine.
Molecular consequence: missense variant. On other transcripts: 5 prime UTR variant (2), intron variant (137).
Genome position (GRCh38, 1-based): chr17:43,094,719, A>C on the plus strand (T>G on the coding strand, the complement: BRCA1 is on the minus strand). VCF-style: chr17-43094719-A-C. GRCh37 (hg19) VCF-style: chr17-41246736-A-C.
Other names: c.809T>G, p.Val270Gly (NM_001407612.1, NM_001407613.1, NM_001407614.1 and 22 more transcripts); c.812T>G, p.Val271Gly (NM_001407616.1, NM_001407617.1, NM_001407618.1 and 30 more transcripts); c.734T>G, p.Val245Gly (NM_001407653.1, NM_001407654.1, NM_001407655.1 and 4 more transcripts); c.731T>G, p.Val244Gly (NM_001407659.1, NM_001407660.1, NM_001407661.1 and 1 more transcripts); c.686T>G, p.Val229Gly (NM_001407672.1, NM_001407673.1, NM_001407691.1 and 11 more transcripts); c.689T>G, p.Val230Gly (NM_001407674.1, NM_001407675.1, NM_001407676.1 and 19 more transcripts); c.671T>G, p.Val224Gly (NM_001407692.1, NM_001407694.1, NM_001407695.1 and 29 more transcripts); c.668T>G, p.Val223Gly (NM_001407740.1, NM_001407741.1, NM_001407742.1 and 20 more transcripts); and 40 more; short protein forms V271G, V224G, V160G, V223G, V103G, V159G, V229G, V245G.
Identifiers: ClinVar variation 252383 (VCV000252383.12), dbSNP rs753099787, ClinGen allele CA056758.

ClinVar aggregate classification (germline): Conflicting classifications of pathogenicity. Review status: criteria provided, conflicting classifications (1 of 4 stars). 4 submissions from 4 submitters: Uncertain significance (3); Likely benign (1). Last evaluated 2024-01-26.

Conditions:
Hereditary cancer-predisposing syndrome. Also called: Hereditary Cancer Syndrome; Neoplastic Syndromes, Hereditary; Hereditary neoplastic syndrome; Tumor predisposition. Identifiers: Orphanet 140162, MedGen C0027672, MeSH D009386, MONDO:0015356.
Hereditary breast ovarian cancer syndrome. Also called: Hereditary breast and ovarian cancer syndrome (HBOC); Breast and ovarian cancer; Hereditary breast and ovarian cancer syndrome; Hereditary breast and ovarian cancer; BRCA1- and BRCA2-Associated Hereditary Breast and Ovarian Cancer; Hereditary breast and/or ovarian cancer syndrome. Identifiers: Orphanet 145, MedGen C0677776, MeSH D061325, MONDO:0003582. Disease mechanism: loss of function.
Breast-ovarian cancer, familial, susceptibility to, 1 (BROVCA1). Also called: BRCA1 Hereditary Breast and Ovarian Cancer; OVARIAN CANCER, SUSCEPTIBILITY TO. Identifiers: Orphanet 145, MedGen C2676676, MONDO:0011450, OMIM 604370. Disease mechanism: loss of function.

Allele frequency attached by ClinVar (database versions not stated): gnomAD exomes below 0.00001; ExAC 0.00001.
gnomAD v4.1: 1 of 1,611,896 alleles (0.000062%); highest among the groups gnomAD compares: Non-Finnish European, 0.000085%; no homozygotes.

Submissions (4):

Labcorp Genetics (formerly Invitae), Labcorp
Classification: Uncertain significance for Hereditary breast ovarian cancer syndrome. Last evaluated: 2024-01-26. Review status: criteria provided, single submitter. Criteria: Invitae Variant Classification Sherloc (09022015). Collection method: clinical testing. Allele origin: germline.
Comment: This sequence change replaces valine, which is neutral and non-polar, with glycine, which is neutral and non-polar, at codon 271 of the BRCA1 protein (p.Val271Gly). This variant is present in population databases (rs753099787, gnomAD 0.0009%). This variant has not been reported in the literature in individuals affected with BRCA1-related conditions. ClinVar contains an entry for this variant (Variation ID: 252383). Advanced modeling of protein sequence and biophysical properties (such as structural, functional, and spatial information, amino acid conservation, physicochemical variation, residue mobility, and thermodynamic stability) performed at Invitae indicates that this missense variant is not expected to disrupt BRCA1 protein function with a negative predictive value of 95%. In summary, the available evidence is currently insufficient to determine the role of this variant in disease. Therefore, it has been classified as a Variant of Uncertain Significance.

University of Washington Department of Laboratory Medicine, University of Washington
Classification: Likely benign for Hereditary cancer-predisposing syndrome. Last evaluated: 2023-03-23. Review status: criteria provided, single submitter. Criteria: Dines et al. (Genet Med. 2020). Collection method: curation. Allele origin: germline.
Comment: Missense variant in a coldspot region where missense variants are very unlikely to be pathogenic (PMID:31911673).

BRCA1 coldspot (exon 11 using historical exon numbering). Reclassification based on statistical prior probability

Ambry Genetics
Classification: Uncertain significance for Hereditary cancer-predisposing syndrome. Last evaluated: 2016-08-22. Review status: criteria provided, single submitter. Criteria: Ambry Variant Classification Scheme 2023. Collection method: clinical testing. Allele origin: germline.
Comment: The p.V271G variant (also known as c.812T>G), located in coding exon 9 of the BRCA1 gene, results from a T to G substitution at nucleotide position 812. The valine at codon 271 is replaced by glycine, an amino acid with dissimilar properties. This variant was not reported in population based cohorts in the following databases: Database of Single Nucleotide Polymorphisms (dbSNP), NHLBI Exome Sequencing Project (ESP), and 1000 Genomes Project. In the ESP, this variant was not observed in 6503 samples (13006 alleles) with coverage at this position. To date, this alteration has been detected with an allele frequency of approximately 0.0003% (greater than 300000 alleles tested) in our clinical cohort. This amino acid position is well conserved in available vertebrate species. In addition, this alteration is predicted to be deleterious by in silico analysis. Since supporting evidence is limited at this time, the clinical significance of this alteration remains unclear.

Quest Diagnostics Nichols Institute San Juan Capistrano
Classification: Uncertain significance for Breast-ovarian cancer, familial, susceptibility to, 1. Last evaluated: 2016-03-03. Review status: criteria provided, single submitter. Criteria: Quest Diagnostics criteria. Collection method: clinical testing. Allele origin: germline. Inheritance: Autosomal dominant inheritance.

Literature cited by the submitters: PubMed 26295337 (cited by Quest Diagnostics Nichols Institute San Juan Capistrano).